The following is an entry in ClinVar:

NM_001349884.2(DRAM2):c.717C>T (p.Ala239=)

Gene: DRAM2 (DNA damage regulated autophagy modulator 2; minus strand). Cytogenetic location: 1p13.3.
Variant type: single nucleotide variant.
Coding change: c.717C>T on transcript NM_001349884.2 (MANE Select); coding-DNA position 717, C replaced by T.
Protein change: p.Ala239=; no amino-acid change (alanine 239 retained).
Molecular consequence: synonymous variant. On other transcripts: non-coding transcript variant (8).
Genome position (GRCh38, 1-based): chr1:111,118,244, G>A on the plus strand (C>T on the coding strand, the complement: DRAM2 is on the minus strand). VCF-style: chr1-111118244-G-A. GRCh37 (hg19) VCF-style: chr1-111660866-G-A.
Other names: c.717C>T, p.Ala239= (NM_001349881.2, NM_001349882.2, NM_001349885.2 and 1 more transcripts); c.447C>T, p.Ala149= (NM_001349886.2, NM_001349887.2, NM_001349888.2); c.327C>T, p.Ala109= (NM_001349889.2, NM_001349890.2, NM_001349891.2 and 2 more transcripts); c.717C>T (NM_178454.4).
Identifiers: ClinVar variation 1087225 (VCV001087225.11), dbSNP rs200679623, ClinGen allele CA1001732.

ClinVar aggregate classification (germline): Likely benign. Review status: criteria provided, multiple submitters, no conflicts (2 of 4 stars). 3 submissions from 3 submitters: Likely benign (3). Last evaluated 2025-07-23.

Conditions:
DRAM2-related disorder. Also called: DRAM2-related condition.

Allele frequency attached by ClinVar (database versions not stated): gnomAD 0.00013 and 0.00014; gnomAD exomes 0.00014 and 0.00017; 1000 Genomes Project 30x 0.00016; TOPMed 0.00016; 1000 Genomes Project 0.00020; ExAC 0.00030.

Submissions (3):

PreventionGenetics, part of Exact Sciences
Classification: Likely benign for DRAM2-related condition. Last evaluated: 2025-07-23. Review status: criteria provided, single submitter. Criteria: ACMG Guidelines, 2015. Collection method: clinical testing. Allele origin: germline.
Comment: This variant is classified as likely benign based on ACMG/AMP sequence variant interpretation guidelines (Richards et al. 2015 PMID: 25741868, with internal and published modifications).

Labcorp Genetics (formerly Invitae), Labcorp
Classification: Likely benign. Last evaluated: 2024-11-11. Review status: criteria provided, single submitter. Criteria: Invitae Variant Classification Sherloc (09022015). Collection method: clinical testing. Allele origin: germline.

Blueprint Genetics
Classification: Likely benign. Last evaluated: 2024-08-22. Review status: criteria provided, single submitter. Criteria: ACMG Guidelines, 2015. Collection method: clinical testing. Allele origin: germline.